The following is an entry in ClinVar:

ClinVar aggregate classification (germline): Likely benign. Review status: criteria provided, multiple submitters, no conflicts (2 of 4 stars). 4 submissions from 4 submitters: Likely benign (4). Last evaluated 2026-02-03.

Conditions:
Seizures, benign familial infantile, 3 (BFIS3). Also called: Familial neonatal seizures; CONVULSIONS, BENIGN FAMILIAL INFANTILE, 3. Identifiers: Orphanet 140927, Orphanet 306, MedGen C1843140, MONDO:0011904, OMIM 607745.
Developmental and epileptic encephalopathy, 11 (DEE11). Also called: Early infantile epileptic encephalopathy 11. Identifiers: Orphanet 1934, MedGen C3150987, MONDO:0013388, OMIM 613721.
Inborn genetic diseases. Identifiers: MedGen C0950123, MeSH D030342.

Allele frequency attached by ClinVar (database versions not stated): gnomAD 0.00001.
gnomAD v4.1: 30 of 1,613,814 alleles (0.0019%); highest among the groups gnomAD compares: Admixed American, 0.04%; no homozygotes.

Submissions (4):

Labcorp Genetics (formerly Invitae), Labcorp
Classification: Likely benign for Seizures, benign familial infantile, 3; Developmental and epileptic encephalopathy, 11. Last evaluated: 2026-02-03. Review status: criteria provided, single submitter. Criteria: Invitae Variant Classification Sherloc (09022015). Collection method: clinical testing. Allele origin: germline.

Women's Health and Genetics/Laboratory Corporation of America, LabCorp
Classification: Likely benign. Last evaluated: 2025-12-03. Review status: criteria provided, single submitter. Criteria: LabCorp Variant Classification Summary - May 2015. Collection method: clinical testing. Allele origin: germline.

Ambry Genetics
Classification: Likely benign for Inborn genetic diseases. Last evaluated: 2018-09-22. Review status: criteria provided, single submitter. Criteria: Ambry Variant Classification Scheme 2023. Collection method: clinical testing. Allele origin: germline.

GeneDx
Classification: Likely benign. Last evaluated: 2017-02-10. Review status: criteria provided, single submitter. Criteria: GeneDx Variant Classification (06012015). Collection method: clinical testing. Allele origin: germline. Affected: yes.
Comment: This variant is considered likely benign or benign based on one or more of the following criteria: it is a conservative change, it occurs at a poorly conserved position in the protein, it is predicted to be benign by multiple in silico algorithms, and/or has population frequency not consistent with disease.

NM_001040142.2(SCN2A):c.5697G>A (p.Thr1899=)

Gene: SCN2A (sodium voltage-gated channel alpha subunit 2; plus strand). Cytogenetic location: 2q24.3.
Variant type: single nucleotide variant.
Coding change: c.5697G>A on transcript NM_001040142.2 (MANE Select); coding-DNA position 5697, G replaced by A.
Protein change: p.Thr1899=; no amino-acid change (threonine 1899 retained).
Molecular consequence: synonymous variant.
Genome position (GRCh38, 1-based): chr2:165,389,503, G>A. VCF-style: chr2-165389503-G-A. GRCh37 (hg19) VCF-style: chr2-166246013-G-A.
Other names: c.5697G>A, p.Thr1899= (NM_001040143.2, NM_001371246.1, NM_001371247.1 and 1 more transcripts).
Identifiers: ClinVar variation 379482 (VCV000379482.13), dbSNP rs746574956, ClinGen allele CA1940413.